The following is an entry in ClinVar:

NM_001145715.3(KPNA7):c.1055T>C (p.Val352Ala)

Gene: KPNA7 (karyopherin subunit alpha 7; minus strand). Cytogenetic location: 7q22.1.
Variant type: single nucleotide variant.
Coding change: c.1055T>C on transcript NM_001145715.3 (MANE Select); coding-DNA position 1055, T replaced by C.
Protein change: p.Val352Ala; replaces valine 352 with alanine.
Molecular consequence: missense variant.
Genome position (GRCh38, 1-based): chr7:99,185,008, A>G on the plus strand (T>C on the coding strand, the complement: KPNA7 is on the minus strand). VCF-style: chr7-99185008-A-G. GRCh37 (hg19) VCF-style: chr7-98782631-A-G.
Other names: short protein forms V352A.
Identifiers: ClinVar variation 2041399 (VCV002041399.4), dbSNP rs2535425699, ClinGen allele CA368419223.
Genomic context (GRCh38, chr7:99,185,008, plus strand): 5'-AAGGGAGGCAAGACGTCGTAGGCAAGCAGCTGCTGGATGTGGTGACAAGGCCCCGCTGCT[A>G]CGTTGCTCAGGGCCCAGGCTGCCTCCTTCTGGATGGAGGGCTTGTTGTGTTGCAGGAGCT-3'
Protein context (NP_001139187.1, residues 342-362): QKEAAWALSN[Val352Ala]AAGPCHHIQQ

ClinVar aggregate classification (germline): Uncertain significance (1 of 4 stars; one submission).

Allele frequency attached by ClinVar (database versions not stated): gnomAD exomes below 0.00001.
gnomAD v4.1: 2 of 1,551,894 alleles (0.00013%); highest among the groups gnomAD compares: Non-Finnish European, 0.00017%; no homozygotes.

Submission:

Labcorp Genetics (formerly Invitae), Labcorp
Classification: Uncertain significance. Last evaluated: 2022-07-10. Review status: criteria provided, single submitter. Criteria: Invitae Variant Classification Sherloc (09022015). Collection method: clinical testing. Allele origin: germline.
Comment: This sequence change replaces valine, which is neutral and non-polar, with alanine, which is neutral and non-polar, at codon 352 of the KPNA7 protein (p.Val352Ala). This variant is not present in population databases (gnomAD no frequency). This variant has not been reported in the literature in individuals affected with KPNA7-related conditions. Algorithms developed to predict the effect of missense changes on protein structure and function (SIFT, PolyPhen-2, Align-GVGD) all suggest that this variant is likely to be disruptive. In summary, the available evidence is currently insufficient to determine the role of this variant in disease. Therefore, it has been classified as a Variant of Uncertain Significance.